The following is an entry in ClinVar:

ClinVar aggregate classification (germline): Likely benign (0 of 4 stars; one submission).

Conditions:
LEPR-related disorder. Also called: LEPR-related disorders; LEPR-related condition.

Allele frequency attached by ClinVar (database versions not stated): TOPMed 0.00003; gnomAD 0.00005; ESP Exome Variant Server 0.00008; gnomAD exomes 0.00008; ExAC 0.00010; 1000 Genomes Project 30x 0.00016; 1000 Genomes Project 0.00020.
gnomAD v4.1: 128 of 1,613,350 alleles (0.0079%); highest among the groups gnomAD compares: South Asian, 0.023%; 1 homozygote.

Submission:

PreventionGenetics, part of Exact Sciences
Classification: Likely benign for LEPR-related condition. Last evaluated: 2019-12-23. Review status: no assertion criteria provided. Collection method: clinical testing. Allele origin: germline.
Comment: This variant is classified as likely benign based on ACMG/AMP sequence variant interpretation guidelines (Richards et al. 2015 PMID: 25741868, with internal and published modifications).

NM_002303.6(LEPR):c.618C>T (p.Asn206=)

Gene: LEPR (leptin receptor; plus strand). Cytogenetic location: 1p31.3.
Variant type: single nucleotide variant.
Coding change: c.618C>T on transcript NM_002303.6 (MANE Select); coding-DNA position 618, C replaced by T.
Protein change: p.Asn206=; no amino-acid change (asparagine 206 retained).
Molecular consequence: synonymous variant.
Genome position (GRCh38, 1-based): chr1:65,592,780, C>T. VCF-style: chr1-65592780-C-T. GRCh37 (hg19) VCF-style: chr1-66058463-C-T.
Other names: c.618C>T, p.Asn206= (NM_001003679.3, NM_001003680.3, NM_001198687.2 and 2 more transcripts).
Identifiers: ClinVar variation 3046010 (VCV003046010.2), dbSNP rs144587092, ClinGen allele CA894597.